The following is an entry in ClinVar:

NM_017852.5(NLRP2):c.1045G>C (p.Glu349Gln)

Gene: NLRP2 (NLR family pyrin domain containing 2; plus strand). Cytogenetic location: 19q13.42.
Variant type: single nucleotide variant.
Coding change: c.1045G>C on transcript NM_017852.5 (MANE Select); coding-DNA position 1045, G replaced by C.
Protein change: p.Glu349Gln; replaces glutamic acid 349 with glutamine.
Molecular consequence: missense variant. On other transcripts: non-coding transcript variant (1).
Genome position (GRCh38, 1-based): chr19:54,982,743, G>C. VCF-style: chr19-54982743-G-C. GRCh37 (hg19) VCF-style: chr19-55494111-G-C.
Other names: c.1045G>C (NM_001174081.2); c.1045G>C, p.Glu349Gln (NM_001174081.3); c.979G>C, p.Glu327Gln (NM_001174082.3); c.976G>C, p.Glu326Gln (NM_001174083.2); c.1036G>C, p.Glu346Gln (NM_001348003.2); short protein forms E326Q, E327Q, E346Q, E349Q.
Identifiers: ClinVar variation 1694944 (VCV001694944.32), dbSNP rs148817929, ClinGen allele CA310103589.

ClinVar aggregate classification (germline): Benign. Review status: criteria provided, single submitter (1 of 4 stars). 2 submissions from 2 submitters: Benign (1). 1 of the submissions does not count toward it. Last evaluated 2022-08-01.

Conditions:
NLRP2-related disorder. Also called: NLRP2-related condition.

Allele frequency attached by ClinVar (database versions not stated): ESP Exome Variant Server 0.00054; 1000 Genomes Project 30x 0.00094; 1000 Genomes Project 0.00100; gnomAD exomes 0.00279; ExAC 0.00292.
gnomAD v4.1: 2,598 of 1,614,072 alleles (0.16%); highest among the groups gnomAD compares: Non-Finnish European, 0.11%; 15 homozygotes.

Submissions (2):

CeGaT Center for Human Genetics Tuebingen
Classification: Benign. Last evaluated: 2022-08-01. Review status: criteria provided, single submitter. Criteria: CeGaT Center For Human Genetics Tuebingen Variant Classification Criteria Version 2. Collection method: clinical testing. Allele origin: germline. Affected: yes. Observed: 2 variant alleles.
Comment: NLRP2: BP4, BS1, BS2

PreventionGenetics, part of Exact Sciences
Classification: Benign for NLRP2-related condition. Last evaluated: 2019-06-13. Review status: no assertion criteria provided. Collection method: clinical testing. Allele origin: germline. Not counted in ClinVar's aggregate classification.
Comment: This variant is classified as benign based on ACMG/AMP sequence variant interpretation guidelines (Richards et al. 2015 PMID: 25741868, with internal and published modifications).